The following is an entry in ClinVar:

ClinVar aggregate classification (germline): Uncertain significance (1 of 4 stars; one submission).

Conditions:
Emery-Dreifuss muscular dystrophy 4, autosomal dominant (EDMD4). Also called: EMERY-DREIFUSS MUSCULAR DYSTROPHY 4 WITH VARIABLE FEATURES. Identifiers: Orphanet 261, MedGen C2751807, MONDO:0013071, OMIM 612998.
Autosomal recessive ataxia, Beauce type. Also called: SYNE1-Related Autosomal Recessive Cerebellar Ataxia; Spinocerebellar ataxia, autosomal recessive 8; ATAXIA, RECESSIVE, OF BEAUCE; SYNE1 Deficiency. Identifiers: Orphanet 88644, MedGen C1853116, MONDO:0012549, OMIM 610743.

Submission:

Labcorp Genetics (formerly Invitae), Labcorp
Classification: Uncertain significance for Emery-Dreifuss muscular dystrophy 4, autosomal dominant; Autosomal recessive ataxia, Beauce type. Last evaluated: 2024-02-23. Review status: criteria provided, single submitter. Criteria: Invitae Variant Classification Sherloc (09022015). Collection method: clinical testing. Allele origin: germline.
Comment: This sequence change replaces alanine, which is neutral and non-polar, with serine, which is neutral and polar, at codon 3903 of the SYNE1 protein (p.Ala3903Ser). This variant is not present in population databases (gnomAD no frequency). This variant has not been reported in the literature in individuals affected with SYNE1-related conditions. ClinVar contains an entry for this variant (Variation ID: 1390190). An algorithm developed to predict the effect of missense changes on protein structure and function (PolyPhen-2) suggests that this variant is likely to be tolerated. In summary, the available evidence is currently insufficient to determine the role of this variant in disease. Therefore, it has been classified as a Variant of Uncertain Significance.

NM_182961.4(SYNE1):c.11920G>T (p.Ala3974Ser)

Gene: SYNE1 (spectrin repeat containing nuclear envelope protein 1; minus strand). Cytogenetic location: 6q25.2.
Variant type: single nucleotide variant.
Coding change: c.11920G>T on transcript NM_182961.4 (MANE Select); coding-DNA position 11920, G replaced by T.
Protein change: p.Ala3974Ser; replaces alanine 3974 with serine.
Molecular consequence: missense variant.
Genome position (GRCh38, 1-based): chr6:152,347,217, C>A on the plus strand (G>T on the coding strand, the complement: SYNE1 is on the minus strand). VCF-style: chr6-152347217-C-A. GRCh37 (hg19) VCF-style: chr6-152668352-C-A.
Other names: c.11707G>T, p.Ala3903Ser (NM_033071.5); short protein forms A3974S, A3903S.
Identifiers: ClinVar variation 1390190 (VCV001390190.6), dbSNP rs2154025706, ClinGen allele CA366114819.